The following is an entry in ClinVar:

ClinVar aggregate classification (germline): Uncertain significance (1 of 4 stars; one submission).

Conditions:
LAMA2-related muscular dystrophy (LAMA2-RD). Also called: Laminin alpha 2-related dystrophy. Identifiers: MedGen C5679788, MONDO:0100228.

Allele frequency attached by ClinVar (database versions not stated): gnomAD exomes below 0.00001.
gnomAD v4.1: 1 of 1,613,938 alleles (0.000062%); highest among the groups gnomAD compares: South Asian, 0.0011%; no homozygotes.

Submission:

Labcorp Genetics (formerly Invitae), Labcorp
Classification: Uncertain significance for LAMA2-related muscular dystrophy. Last evaluated: 2021-04-21. Review status: criteria provided, single submitter. Criteria: Invitae Variant Classification Sherloc (09022015). Collection method: clinical testing. Allele origin: germline.
Comment: In summary, the available evidence is currently insufficient to determine the role of this variant in disease. Therefore, it has been classified as a Variant of Uncertain Significance. Advanced modeling of protein sequence and biophysical properties (such as structural, functional, and spatial information, amino acid conservation, physicochemical variation, residue mobility, and thermodynamic stability) performed at Invitae indicates that this missense variant is not expected to disrupt LAMA2 protein function. This variant has not been reported in the literature in individuals with LAMA2-related conditions. This variant is not present in population databases (ExAC no frequency). This sequence change replaces glutamic acid with lysine at codon 2105 of the LAMA2 protein (p.Glu2105Lys). The glutamic acid residue is moderately conserved and there is a small physicochemical difference between glutamic acid and lysine.

NM_000426.4(LAMA2):c.6313G>A (p.Glu2105Lys)

Gene: LAMA2 (laminin subunit alpha 2; plus strand). Cytogenetic location: 6q22.33.
Variant type: single nucleotide variant.
Coding change: c.6313G>A on transcript NM_000426.4 (MANE Select); coding-DNA position 6313, G replaced by A.
Protein change: p.Glu2105Lys; replaces glutamic acid 2105 with lysine.
Molecular consequence: missense variant.
Genome position (GRCh38, 1-based): chr6:129,445,705, G>A. VCF-style: chr6-129445705-G-A. GRCh37 (hg19) VCF-style: chr6-129766850-G-A.
Other names: c.6313G>A, p.Glu2105Lys (NM_001079823.2); short protein forms E2105K.
Identifiers: ClinVar variation 1449500 (VCV001449500.8), dbSNP rs1466915850, ClinGen allele CA365631743.